The following is an entry in ClinVar:

ClinVar aggregate classification (germline): Conflicting classifications of pathogenicity. Review status: criteria provided, conflicting classifications (1 of 4 stars). 17 submissions from 17 submitters: Likely pathogenic (6); Uncertain significance (7). 4 of the submissions do not count toward it. Last evaluated 2026-06-02.

Conditions:
Pontocerebellar hypoplasia type 6 (PCH6). Identifiers: Orphanet 166073, MedGen C1969084, MONDO:0012683, OMIM 611523.
RARS2-related disorder. Also called: RARS2-related condition.

Allele frequency attached by ClinVar (database versions not stated): 1000 Genomes Project 0.00020; 1000 Genomes Project 30x 0.00031; TOPMed 0.00045; ESP Exome Variant Server 0.00054; gnomAD exomes 0.00055; ExAC 0.00067.
gnomAD v4.1: 926 of 1,613,050 alleles (0.057%); highest among the groups gnomAD compares: South Asian, 0.068%; 1 homozygote.

Submissions (17):

Women's Health and Genetics/Laboratory Corporation of America, LabCorp
Classification: Uncertain significance. Last evaluated: 2026-06-02. Review status: criteria provided, single submitter. Criteria: LabCorp Variant Classification Summary - May 2015. Collection method: clinical testing. Allele origin: germline.
Comment: Variant summary: RARS2 c.442A>G (p.Thr148Ala) results in a non-conservative amino acid change located in the Arginyl-tRNA synthetase, catalytic core domain of the encoded protein sequence. Algorithms developed to predict the effect of missense changes on protein structure and function are either unavailable or do not agree on the potential impact of this missense change. The variant allele was found at a frequency of 0.00055 in 250070 control chromosomes. This frequency is not significantly higher than estimated for disease-causing variants in RARS2, allowing no conclusion about variant significance. c.442A>G has been observed in trans with a pathogenic variant in an individual affected with psychomotor retardation, autism, and ataxia and in another individual with delayed development, brain atrophy, pontecerebellar atropy (Neveling_2013, Roux_2021). This variant has also been observed in trans with a variant of unknown significance in an individual with ataxia (Jou_2019). These data indicate that the variant may be associated with disease. To our knowledge, no experimental evidence demonstrating an impact on protein function has been reported. The following publications have been ascertained in the context of this evaluation (PMID: 33972171, 24123792, 34717047, 30634555). ClinVar contains an entry for this variant (Variation ID: 358237). Based on the evidence outlined above, the variant was classified as VUS-possibly pathogenic.

PreventionGenetics, part of Exact Sciences
Classification: Uncertain significance for RARS2-related condition. Last evaluated: 2025-09-19. Review status: criteria provided, single submitter. Criteria: ACMG Guidelines, 2015. Collection method: clinical testing. Allele origin: germline.
Comment: The RARS2 c.442A>G variant is predicted to result in the amino acid substitution p.Thr148Ala. This variant was reported in an individual with psychomotor retardation, autism and ataxia (Supplemental Table S15, Neveling et al. 2013. PubMed ID: 24123792). It has also been reported in individuals with mitochondrial disease, including pontocerebellar hypoplasia (Table S1, Jou et al. 2019. PubMed ID: 30634555; Supplemental Table, Roux et al. 2021. PubMed ID: 33972171; Van De Loo et al. 2022. PubMed ID: 36183138). This variant is reported in 0.13% of alleles in individuals of Ashkenazi Jewish descent in gnomAD. At this time, the clinical significance of this variant is uncertain due to the absence of conclusive functional and genetic evidence.

First Genomix Gene Laboratory, Genetic Diagnostics Department
Classification: Likely pathogenic for Pontocerebellar hypoplasia type 6. Last evaluated: 2025-09-16. Review status: criteria provided, single submitter. Criteria: ACMG Guidelines, 2015. Collection method: clinical testing. Allele origin: germline. Inheritance: Autosomal recessive inheritance. Affected: no. Observed: 1 variant allele.

Revvity Omics, Revvity
Classification: Likely pathogenic for Pontocerebellar hypoplasia type 6. Last evaluated: 2025-06-12. Review status: criteria provided, single submitter. Criteria: ACMG Guidelines, 2015. Collection method: clinical testing. Allele origin: germline.

GeneDx
Classification: Likely pathogenic. Last evaluated: 2025-05-15. Review status: criteria provided, single submitter. Criteria: GeneDx Variant Classification Process June 2021. Collection method: clinical testing. Allele origin: germline. Affected: yes.
Comment: In silico analysis supports that this missense variant has a deleterious effect on protein structure/function; This variant is associated with the following publications: (PMID: 31014978, 30634555, 33972171, 29977174, 35468344, 24123792, 40025839)

Greenwood Genetic Center Diagnostic Laboratories, Greenwood Genetic Center
Classification: Uncertain significance. Last evaluated: 2024-06-03. Review status: criteria provided, single submitter. Criteria: ACMG Guidelines, 2015. Collection method: clinical testing. Allele origin: germline. Affected: yes.
Comment: PM3_Very Strong, PP3

Clinical Genetics Laboratory, Skane University Hospital Lund
Classification: Likely pathogenic. Last evaluated: 2023-07-07. Review status: criteria provided, single submitter. Criteria: ACMG Guidelines, 2015. Collection method: clinical testing. Allele origin: germline. Affected: yes.

Labcorp Genetics (formerly Invitae), Labcorp
Classification: Uncertain significance. Last evaluated: 2022-08-20. Review status: criteria provided, single submitter. Criteria: Invitae Variant Classification Sherloc (09022015). Collection method: clinical testing. Allele origin: germline.
Comment: This sequence change replaces threonine, which is neutral and polar, with alanine, which is neutral and non-polar, at codon 148 of the RARS2 protein (p.Thr148Ala). This variant is present in population databases (rs143389605, gnomAD 0.1%), and has an allele count higher than expected for a pathogenic variant. This missense change has been observed in individual(s) with clinical features of pontocerebellar hypoplasia (PMID: 24123792, 30634555). ClinVar contains an entry for this variant (Variation ID: 358237). Algorithms developed to predict the effect of missense changes on protein structure and function (SIFT, PolyPhen-2, Align-GVGD) all suggest that this variant is likely to be disruptive. In summary, the available evidence is currently insufficient to determine the role of this variant in disease. Therefore, it has been classified as a Variant of Uncertain Significance.

CeGaT Center for Human Genetics Tuebingen
Classification: Likely pathogenic. Last evaluated: 2021-09-01. Review status: criteria provided, single submitter. Criteria: CeGaT Center For Human Genetics Tuebingen Variant Classification Criteria Version 2. Collection method: clinical testing. Allele origin: germline. Affected: yes. Observed: 2 variant alleles.

Fulgent Genetics
Classification: Uncertain significance for Pontocerebellar hypoplasia type 6. Last evaluated: 2018-10-31. Review status: criteria provided, single submitter. Criteria: ACMG Guidelines, 2015. Collection method: clinical testing. Allele origin: unknown.

Illumina Laboratory Services, Illumina
Classification: Uncertain significance for Pontocerebellar hypoplasia type 6. Last evaluated: 2018-01-13. Review status: criteria provided, single submitter. Criteria: ICSL Variant Classification Criteria 13 December 2019. Collection method: clinical testing. Allele origin: germline.

ARUP Laboratories, Molecular Genetics and Genomics, ARUP Laboratories
Classification: Uncertain significance for Pontocerebellar hypoplasia type 6. Review status: criteria provided, single submitter. Criteria: ARUP Molecular Germline Variant Investigation Process 2024. Collection method: clinical testing. Allele origin: germline.
Comment: The p.Thr148Ala variant (rs143389605) has been previously reported in a patient with psychomotor retardation, autism, and ataxia (Neveling 2013), although the clinical significance of this observation is unclear and this variant is listed in the ClinVar database as a variant of uncertain significance (Variation ID: 358237). It is listed in the ESP with an allele frequency in European Americans of 0.08% (identified in 7 out of 8,600 chromosomes), and in the ExAC browser with a frequency in non-Finnish Europeans of 0.11% (identified in 65 out of 61,108 chromosomes). The threonine at codon 148 is highly conserved considering 13 species up to Bakerâ€™s yeast (Alamut software v2.8.1), and computational analyses suggest this variant has a significant effect on RARS2 protein structure/function (SIFT: damaging, PolyPhen2: probably damaging, and Mutation Taster: disease causing). However, based on the available information, the clinical significance of the p.Thr148Ala variant cannot be determined with certainty.

Baylor Genetics
Classification: Likely pathogenic for Pontocerebellar hypoplasia type 6. Review status: criteria provided, single submitter. Criteria: ACMG Guidelines, 2015. Collection method: clinical testing. Allele origin: unknown.

Natera, Inc.
Classification: Likely pathogenic for Pontocerebellar hypoplasia, type 6. Last evaluated: 2020-09-16. Review status: no assertion criteria provided. Collection method: clinical testing. Allele origin: germline. Not counted in ClinVar's aggregate classification.

Clinical Genetics DNA and cytogenetics Diagnostics Lab, Erasmus MC, Erasmus Medical Center
Classification: Uncertain significance. Review status: no assertion criteria provided. Collection method: clinical testing. Allele origin: germline. Affected: yes. Study: VKGL Data-share Consensus. Not counted in ClinVar's aggregate classification.

Diagnostic Laboratory, Department of Genetics, University Medical Center Groningen
Classification: Uncertain significance. Review status: no assertion criteria provided. Collection method: clinical testing. Allele origin: germline. Affected: yes. Study: VKGL Data-share Consensus. Not counted in ClinVar's aggregate classification.

Genome Diagnostics Laboratory, Amsterdam University Medical Center
Classification: Uncertain significance. Review status: no assertion criteria provided. Collection method: clinical testing. Allele origin: germline. Affected: yes. Study: VKGL Data-share Consensus. Not counted in ClinVar's aggregate classification.

Literature cited by the submitters: PubMed 33972171 (cited by Women's Health and Genetics/Laboratory Corporation of America, LabCorp); PubMed 24123792 (cited by Women's Health and Genetics/Laboratory Corporation of America, LabCorp and Labcorp Genetics (formerly Invitae), Labcorp); PubMed 34717047 (cited by Women's Health and Genetics/Laboratory Corporation of America, LabCorp); PubMed 30634555 (cited by Women's Health and Genetics/Laboratory Corporation of America, LabCorp and Labcorp Genetics (formerly Invitae), Labcorp).

NM_020320.5(RARS2):c.442A>G (p.Thr148Ala)

Gene: RARS2 (arginyl-tRNA synthetase 2, mitochondrial; minus strand). Cytogenetic location: 6q15.
Variant type: single nucleotide variant.
Coding change: c.442A>G on transcript NM_020320.5 (MANE Select); coding-DNA position 442, A replaced by G.
Protein change: p.Thr148Ala; replaces threonine 148 with alanine.
Molecular consequence: missense variant. On other transcripts: 5 prime UTR variant (5), non-coding transcript variant (15), intron variant (2).
Genome position (GRCh38, 1-based): chr6:87,548,600, T>C on the plus strand (A>G on the coding strand, the complement: RARS2 is on the minus strand). VCF-style: chr6-87548600-T-C. GRCh37 (hg19) VCF-style: chr6-88258318-T-C.
Other names: c.442A>G (NM_020320.4); c.442A>G, p.Thr148Ala (NM_001350505.2); c.-84A>G (NM_001350506.2, NM_001350507.2, NM_001350508.2 and 2 more transcripts); c.-74-2901A>G (NM_001350509.2, NM_001318785.2); short protein forms T148A.
Identifiers: ClinVar variation 358237 (VCV000358237.62), dbSNP rs143389605, ClinGen allele CA3916641.